The following is an entry in ClinVar:

NM_007129.5(ZIC2):c.1435G>A (p.Gly479Ser)

Gene: ZIC2 (Zic family zinc finger 2; plus strand). Cytogenetic location: 13q32.3.
Variant type: single nucleotide variant.
Coding change: c.1435G>A on transcript NM_007129.5 (MANE Select); coding-DNA position 1435, G replaced by A.
Protein change: p.Gly479Ser; replaces glycine 479 with serine.
Molecular consequence: missense variant.
Genome position (GRCh38, 1-based): chr13:99,985,518, G>A. VCF-style: chr13-99985518-G-A. GRCh37 (hg19) VCF-style: chr13-100637772-G-A.
Other names: short protein forms G479S.
Identifiers: ClinVar variation 3699664 (VCV003699664.2).

ClinVar aggregate classification (germline): Uncertain significance (1 of 4 stars; one submission).

Conditions:
Holoprosencephaly 5 (HPE5). Identifiers: Orphanet 2162, MedGen C1864827, MONDO:0012322, OMIM 609637.

gnomAD v4.1: 4 of 1,056,652 alleles (0.00038%); highest among the groups gnomAD compares: African/African-American, 0.0069%; no homozygotes.

Submission:

Labcorp Genetics (formerly Invitae), Labcorp
Classification: Uncertain significance for Holoprosencephaly 5. Last evaluated: 2024-12-24. Review status: criteria provided, single submitter. Criteria: Invitae Variant Classification Sherloc (09022015). Collection method: clinical testing. Allele origin: germline.
Comment: This sequence change replaces glycine, which is neutral and non-polar, with serine, which is neutral and polar, at codon 479 of the ZIC2 protein (p.Gly479Ser). The frequency data for this variant in the population databases is considered unreliable, as metrics indicate insufficient coverage at this position in the gnomAD database. This variant has not been reported in the literature in individuals affected with ZIC2-related conditions. Experimental studies and prediction algorithms are not available or were not evaluated, and the functional significance of this variant is currently unknown. In summary, the available evidence is currently insufficient to determine the role of this variant in disease. Therefore, it has been classified as a Variant of Uncertain Significance.